The following is an entry in ClinVar:

NM_030665.4(RAI1):c.2639G>C (p.Ser880Thr)

Gene: RAI1 (retinoic acid induced 1; plus strand). Cytogenetic location: 17p11.2.
Variant type: single nucleotide variant.
Coding change: c.2639G>C on transcript NM_030665.4 (MANE Select); coding-DNA position 2639, G replaced by C.
Protein change: p.Ser880Thr; replaces serine 880 with threonine.
Molecular consequence: missense variant.
Genome position (GRCh38, 1-based): chr17:17,795,587, G>C. VCF-style: chr17-17795587-G-C. GRCh37 (hg19) VCF-style: chr17-17698901-G-C.
Other names: short protein forms S880T.
Identifiers: ClinVar variation 1962552 (VCV001962552.5), dbSNP rs1235180624, ClinGen allele CA398551679.

ClinVar aggregate classification (germline): Uncertain significance (1 of 4 stars; one submission).

Submission:

Labcorp Genetics (formerly Invitae), Labcorp
Classification: Uncertain significance. Last evaluated: 2024-02-16. Review status: criteria provided, single submitter. Criteria: Invitae Variant Classification Sherloc (09022015). Collection method: clinical testing. Allele origin: germline.
Comment: This sequence change replaces serine, which is neutral and polar, with threonine, which is neutral and polar, at codon 880 of the RAI1 protein (p.Ser880Thr). This variant is not present in population databases (gnomAD no frequency). This variant has not been reported in the literature in individuals affected with RAI1-related conditions. ClinVar contains an entry for this variant (Variation ID: 1962552). Advanced modeling of protein sequence and biophysical properties (such as structural, functional, and spatial information, amino acid conservation, physicochemical variation, residue mobility, and thermodynamic stability) performed at Invitae indicates that this missense variant is not expected to disrupt RAI1 protein function with a negative predictive value of 80%. In summary, the available evidence is currently insufficient to determine the role of this variant in disease. Therefore, it has been classified as a Variant of Uncertain Significance.